The following is an entry in ClinVar:

NM_001083962.2(TCF4):c.763T>C (p.Cys255Arg)

Gene: TCF4 (transcription factor 4; minus strand). Cytogenetic location: 18q21.2.
Variant type: single nucleotide variant.
Coding change: c.763T>C on transcript NM_001083962.2 (MANE Select); coding-DNA position 763, T replaced by C.
Protein change: p.Cys255Arg; replaces cysteine 255 with arginine.
Molecular consequence: missense variant.
Genome position (GRCh38, 1-based): chr18:55,275,645, A>G on the plus strand (T>C on the coding strand, the complement: TCF4 is on the minus strand). VCF-style: chr18-55275645-A-G. GRCh37 (hg19) VCF-style: chr18-52942876-A-G.
Other names: c.688T>C, p.Cys230Arg (NM_001348220.1, NM_001369576.1, NM_001369578.1 and 3 more transcripts); c.763T>C, p.Cys255Arg (NM_001369567.1, NM_001369568.1, NM_001369571.1 and 4 more transcripts); c.760T>C, p.Cys254Arg (NM_001369569.1, NM_001369570.1, NM_001369573.1); c.691T>C, p.Cys231Arg (NM_001369575.1, NM_001243227.2, NM_001306207.1 and 9 more transcripts); c.1069T>C, p.Cys357Arg (NM_001243226.3); c.781T>C, p.Cys261Arg (NM_001243228.2); c.757T>C, p.Cys253Arg (NM_001243230.2); c.637T>C, p.Cys213Arg (NM_001243231.2, NM_001348211.2); and 4 more; short protein forms C125R, C184R, C213R, C230R, C231R, C253R, C254R, C255R.
Identifiers: ClinVar variation 4886057 (VCV004886057.2).

ClinVar aggregate classification (germline): Uncertain significance (1 of 4 stars; one submission).

Submission:

Dasa
Classification: Uncertain significance. Last evaluated: 2024-12-16. Review status: criteria provided, single submitter. Criteria: DASA Assertion Criteria. Collection method: clinical testing. Allele origin: germline.
Comment: NM_001083962.2(TCF4):c.763T>C (p.Cys255Arg) is a missense variant that results in the substitution of cysteine with arginine. This variant is absent from population databases. Computational prediction algorithms are consistent with a benign effect. The currently available literature and clinical evidence are not sufficient to establish a definitive association between this variant and the reported condition. Therefore, this variant is classified as a variant of uncertain significance.